The following is an entry in ClinVar:

ClinVar aggregate classification (germline): Uncertain significance. Review status: criteria provided, multiple submitters, no conflicts (2 of 4 stars). 3 submissions from 3 submitters: Uncertain significance (3). Last evaluated 2026-09-15.

Conditions:
ADGRV1-related disorder. Also called: ADGRV1-related disorders; ADGRV1-related condition.

Allele frequency attached by ClinVar (database versions not stated): gnomAD exomes below 0.00001 and 0.00001; ExAC 0.00001; gnomAD 0.00003; TOPMed 0.00003.
gnomAD v4.1: 5 of 1,537,734 alleles (0.00033%); highest among the groups gnomAD compares: African/African-American, 0.0069%; no homozygotes.

Submissions (3):

PreventionGenetics, part of Exact Sciences
Classification: Uncertain significance for ADGRV1-related condition. Last evaluated: 2026-09-15. Review status: criteria provided, single submitter. Criteria: ACMG Guidelines, 2015. Collection method: clinical testing. Allele origin: germline.
Comment: The ADGRV1 c.1517T>C variant is predicted to result in the amino acid substitution p.Phe506Ser. To our knowledge, this variant has not been reported in the literature. This variant is reported in 0.013% of alleles in individuals of African descent in gnomAD. At this time, the clinical significance of this variant is uncertain due to the absence of conclusive functional and genetic evidence.

Labcorp Genetics (formerly Invitae), Labcorp
Classification: Uncertain significance. Last evaluated: 2022-10-13. Review status: criteria provided, single submitter. Criteria: Invitae Variant Classification Sherloc (09022015). Collection method: clinical testing. Allele origin: germline.
Comment: This sequence change replaces phenylalanine, which is neutral and non-polar, with serine, which is neutral and polar, at codon 506 of the ADGRV1 protein (p.Phe506Ser). This variant is present in population databases (rs746448177, gnomAD 0.01%). This variant has not been reported in the literature in individuals affected with ADGRV1-related conditions. ClinVar contains an entry for this variant (Variation ID: 1000071). Advanced modeling of protein sequence and biophysical properties (such as structural, functional, and spatial information, amino acid conservation, physicochemical variation, residue mobility, and thermodynamic stability) has been performed at Invitae for this missense variant, however the output from this modeling did not meet the statistical confidence thresholds required to predict the impact of this variant on ADGRV1 protein function. In summary, the available evidence is currently insufficient to determine the role of this variant in disease. Therefore, it has been classified as a Variant of Uncertain Significance.

GeneDx
Classification: Uncertain significance. Last evaluated: 2021-06-24. Review status: criteria provided, single submitter. Criteria: GeneDx Variant Classification Process June 2021. Collection method: clinical testing. Allele origin: germline. Affected: yes.
Comment: In silico analysis supports that this missense variant has a deleterious effect on protein structure/function; Has not been previously published as pathogenic or benign to our knowledge; This variant is associated with the following publications: (PMID: 27535533)

NM_032119.4(ADGRV1):c.1517T>C (p.Phe506Ser)

Gene: ADGRV1 (adhesion G protein-coupled receptor V1; plus strand). Cytogenetic location: 5q14.3.
Variant type: single nucleotide variant.
Coding change: c.1517T>C on transcript NM_032119.4 (MANE Select); coding-DNA position 1517, T replaced by C.
Protein change: p.Phe506Ser; replaces phenylalanine 506 with serine.
Molecular consequence: missense variant. On other transcripts: non-coding transcript variant (1).
Genome position (GRCh38, 1-based): chr5:90,629,217, T>C. VCF-style: chr5-90629217-T-C. GRCh37 (hg19) VCF-style: chr5-89925034-T-C.
Other names: short protein forms F506S.
Identifiers: ClinVar variation 1000071 (VCV001000071.10), dbSNP rs746448177, ClinGen allele CA3338713.